The following is an entry in ClinVar:

NM_001429.4(EP300):c.665C>G (p.Pro222Arg)

Gene: EP300 (EP300 lysine acetyltransferase; plus strand). Cytogenetic location: 22q13.2.
Variant type: single nucleotide variant.
Coding change: c.665C>G on transcript NM_001429.4 (MANE Select); coding-DNA position 665, C replaced by G.
Protein change: p.Pro222Arg; replaces proline 222 with arginine.
Molecular consequence: missense variant.
Genome position (GRCh38, 1-based): chr22:41,117,757, C>G. VCF-style: chr22-41117757-C-G. GRCh37 (hg19) VCF-style: chr22-41513761-C-G.
Other names: c.665C>G, p.Pro222Arg (NM_001362843.2); short protein forms P222R.
Identifiers: ClinVar variation 4995339 (VCV004995339.1).

ClinVar aggregate classification (germline): Uncertain significance (1 of 4 stars; one submission).

Conditions:
EP300-related disorder. Also called: EP300-related condition; EP300-related disorders.

Submission:

PreventionGenetics, part of Exact Sciences
Classification: Uncertain significance for EP300-related condition. Last evaluated: 2026-03-11. Review status: criteria provided, single submitter. Criteria: ACMG Guidelines, 2015. Collection method: clinical testing. Allele origin: germline.
Comment: The EP300 c.665C>G variant is predicted to result in the amino acid substitution p.Pro222Arg. To our knowledge, this variant has not been reported in the literature or in a large population database (gnomAD), indicating this variant is rare. At this time, the clinical significance of this variant is uncertain due to the absence of conclusive functional and genetic evidence.